The following is an entry in ClinVar:

ClinVar aggregate classification (germline): Uncertain significance (1 of 4 stars; one submission).

Submission:

Ambry Genetics
Classification: Uncertain significance. Last evaluated: 2023-04-18. Review status: criteria provided, single submitter. Criteria: Ambry Variant Classification Scheme 2023. Collection method: clinical testing. Allele origin: germline.
Comment: The p.S1646P variant (also known as c.4936T>C), located in coding exon 4 of the ALPK2 gene, results from a T to C substitution at nucleotide position 4936. The serine at codon 1646 is replaced by proline, an amino acid with similar properties. This amino acid position is conserved. In addition, this alteration is predicted to be tolerated by in silico analysis. Since supporting evidence is limited at this time, the clinical significance of this alteration remains unclear.

NM_052947.4(ALPK2):c.4936T>C (p.Ser1646Pro)

Gene: ALPK2 (alpha kinase 2; minus strand). Cytogenetic location: 18q21.31.
Variant type: single nucleotide variant.
Coding change: c.4936T>C on transcript NM_052947.4 (MANE Select); coding-DNA position 4936, T replaced by C.
Protein change: p.Ser1646Pro; replaces serine 1646 with proline.
Molecular consequence: missense variant.
Genome position (GRCh38, 1-based): chr18:58,535,251, A>G on the plus strand (T>C on the coding strand, the complement: ALPK2 is on the minus strand). VCF-style: chr18-58535251-A-G. GRCh37 (hg19) VCF-style: chr18-56202483-A-G.
Other names: short protein forms S1646P.
Identifiers: ClinVar variation 2561787 (VCV002561787.2), dbSNP rs2518873789, ClinGen allele CA402559216.